The following is an entry in ClinVar:

ClinVar aggregate classification (germline): Uncertain significance (1 of 4 stars; one submission).

Submission:

GeneDx
Classification: Uncertain significance. Last evaluated: 2020-03-03. Review status: criteria provided, single submitter. Criteria: GeneDx Variant Classification Process June 2021. Collection method: clinical testing. Allele origin: germline. Affected: yes.
Comment: Not observed in large population cohorts (Lek et al., 2016); In silico analysis supports that this missense variant has a deleterious effect on protein structure/function; Has not been previously published as pathogenic or benign to our knowledge

NM_014362.4(HIBCH):c.925A>T (p.Ile309Phe)

Gene: HIBCH (3-hydroxyisobutyryl-CoA hydrolase; minus strand). Cytogenetic location: 2q32.2.
Variant type: single nucleotide variant.
Coding change: c.925A>T on transcript NM_014362.4 (MANE Select); coding-DNA position 925, A replaced by T.
Protein change: p.Ile309Phe; replaces isoleucine 309 with phenylalanine.
Molecular consequence: missense variant.
Genome position (GRCh38, 1-based): chr2:190,213,042, T>A on the plus strand (A>T on the coding strand, the complement: HIBCH is on the minus strand). VCF-style: chr2-190213042-T-A. GRCh37 (hg19) VCF-style: chr2-191077768-T-A.
Other names: c.925A>T, p.Ile309Phe (NM_198047.3); short protein forms I309F.
Identifiers: ClinVar variation 1206536 (VCV001206536.3), dbSNP rs759152882, ClinGen allele CA349894370.